The following is an entry in ClinVar:

ClinVar aggregate classification (germline): Uncertain significance. Review status: criteria provided, multiple submitters, no conflicts (2 of 4 stars). 4 submissions from 4 submitters: Uncertain significance (4). Last evaluated 2025-10-17.

Conditions:
Neurofibromatosis-Noonan syndrome (NFNS). Also called: NEUROFIBROMATOSIS WITH NOONAN PHENOTYPE. Identifiers: Orphanet 638, MedGen C2931482, MONDO:0011035, OMIM 601321. Disease mechanism: loss of function.
Café-au-lait macules with pulmonary stenosis (WTSN). Also called: PULMONIC STENOSIS WITH CAFE-AU-LAIT SPOTS. Identifiers: MedGen C0553586, MONDO:0008672, OMIM 193520.
Juvenile myelomonocytic leukemia (JMML). Also called: LEUKEMIA, JUVENILE MYELOMONOCYTIC, SOMATIC. Identifiers: Orphanet 86834, MedGen C0349639, MONDO:0011908, OMIM 607785, HP:0012209.
Neurofibromatosis, type 1 (NF1). Also called: Neurofibromatosis, type I; NEUROFIBROMATOSIS, TYPE I, SOMATIC; Peripheral type neurofibromatosis; VON RECKLINGHAUSEN DISEASE. Identifiers: Orphanet 636, MedGen C0027831, MONDO:0018975, OMIM 162200. Disease mechanism: loss of function.
Neurofibromatosis, familial spinal (FSNF). Identifiers: Orphanet 636, MedGen C1834235, MONDO:0008078, OMIM 162210. Disease mechanism: loss of function.
Hereditary cancer-predisposing syndrome. Also called: Hereditary Cancer Syndrome; Tumor predisposition; Neoplastic Syndromes, Hereditary; Hereditary neoplastic syndrome. Identifiers: Orphanet 140162, MedGen C0027672, MeSH D009386, MONDO:0015356.
Cardiovascular phenotype. Identifiers: MedGen CN230736.

Submissions (4):

Ambry Genetics
Classification: Uncertain significance for Cardiovascular phenotype; Hereditary cancer-predisposing syndrome. Last evaluated: 2025-10-17. Review status: criteria provided, single submitter. Criteria: Ambry Variant Classification Scheme 2023. Collection method: clinical testing. Allele origin: germline.
Comment: The p.S465N variant (also known as c.1394G>A), located in coding exon 13 of the NF1 gene, results from a G to A substitution at nucleotide position 1394. The serine at codon 465 is replaced by asparagine, an amino acid with highly similar properties. This variant was reported in individual(s) with features consistent with Neurofibromatosis type I (Yao R et al. Genes (Basel), 2019 Oct;10:). This amino acid position is well conserved in available vertebrate species. In addition, this alteration is predicted to be tolerated by in silico analysis. Based on the available evidence, the clinical significance of this variant remains unclear.

Labcorp Genetics (formerly Invitae), Labcorp
Classification: Uncertain significance for Neurofibromatosis, type 1. Last evaluated: 2024-11-11. Review status: criteria provided, single submitter. Criteria: Invitae Variant Classification Sherloc (09022015). Collection method: clinical testing. Allele origin: germline.
Comment: This sequence change replaces serine, which is neutral and polar, with asparagine, which is neutral and polar, at codon 465 of the NF1 protein (p.Ser465Asn). This variant is not present in population databases (gnomAD no frequency). This missense change has been observed in individual(s) with clinical features of neurofibromatosis type 1 (PMID: 31717729). ClinVar contains an entry for this variant (Variation ID: 2040400). An algorithm developed to predict the effect of missense changes on protein structure and function (PolyPhen-2) suggests that this variant is likely to be disruptive. In summary, the available evidence is currently insufficient to determine the role of this variant in disease. Therefore, it has been classified as a Variant of Uncertain Significance.

GeneDx
Classification: Uncertain significance. Last evaluated: 2024-03-08. Review status: criteria provided, single submitter. Criteria: GeneDx Variant Classification Process June 2021. Collection method: clinical testing. Allele origin: germline. Affected: yes.
Comment: Not observed at significant frequency in large population cohorts (gnomAD); In silico analysis supports that this missense variant does not alter protein structure/function; Identified in a patient with clinical features of neurofibromatosis type 1 in published literature (PMID: 31717729); This variant is associated with the following publications: (PMID: 31717729)

Fulgent Genetics
Classification: Uncertain significance for Neurofibromatosis, type 1; Neurofibromatosis, familial spinal; Café-au-lait macules with pulmonary stenosis; Neurofibromatosis-Noonan syndrome; Juvenile myelomonocytic leukemia. Last evaluated: 2024-01-31. Review status: criteria provided, single submitter. Criteria: ACMG Guidelines, 2015. Collection method: clinical testing. Allele origin: germline.

Literature cited by the submitters: PubMed 31717729 (cited by Ambry Genetics and Labcorp Genetics (formerly Invitae), Labcorp).

NM_001042492.3(NF1):c.1394G>A (p.Ser465Asn)

Gene: NF1 (neurofibromin 1; plus strand). Cytogenetic location: 17q11.2.
Variant type: single nucleotide variant.
Coding change: c.1394G>A on transcript NM_001042492.3 (MANE Select); coding-DNA position 1394, G replaced by A.
Protein change: p.Ser465Asn; replaces serine 465 with asparagine.
Molecular consequence: missense variant.
Genome position (GRCh38, 1-based): chr17:31,214,452, G>A. VCF-style: chr17-31214452-G-A. GRCh37 (hg19) VCF-style: chr17-29541470-G-A.
Other names: c.1394G>A, p.Ser465Asn (NM_000267.4, NM_001128147.3); short protein forms S465N.
Identifiers: ClinVar variation 2040400 (VCV002040400.7), dbSNP rs2143958601, ClinGen allele CA399001407.